The following is an entry in ClinVar:

NM_021930.6(RINT1):c.274-7T>G

Gene: RINT1 (RAD50 interactor 1; plus strand). Cytogenetic location: 7q22.3.
Variant type: single nucleotide variant.
Coding change: c.274-7T>G on transcript NM_021930.6 (MANE Select); 7 bases into the intron before coding-DNA position 274, T replaced by G.
Molecular consequence: intron variant.
Genome position (GRCh38, 1-based): chr7:105,542,401, T>G. VCF-style: chr7-105542401-T-G. GRCh37 (hg19) VCF-style: chr7-105182848-T-G.
Other names: c.-746-7T>G (NM_001346600.2); c.-649-7T>G (NM_001346601.2); c.-269-7T>G (NM_001346603.2); c.40-7T>G (NM_001346599.2).
Identifiers: ClinVar variation 2033246 (VCV002033246.4), dbSNP rs749660210, ClinGen allele CA2580076103.

ClinVar aggregate classification (germline): Uncertain significance (1 of 4 stars; one submission).

Submission:

Labcorp Genetics (formerly Invitae), Labcorp
Classification: Uncertain significance. Last evaluated: 2022-09-28. Review status: criteria provided, single submitter. Criteria: Invitae Variant Classification Sherloc (09022015). Collection method: clinical testing. Allele origin: germline.
Comment: Algorithms developed to predict the effect of sequence changes on RNA splicing suggest that this variant may disrupt the consensus splice site. In summary, the available evidence is currently insufficient to determine the role of this variant in disease. Therefore, it has been classified as a Variant of Uncertain Significance. This variant has not been reported in the literature in individuals affected with RINT1-related conditions. This variant is not present in population databases (gnomAD no frequency). This sequence change falls in intron 3 of the RINT1 gene. It does not directly change the encoded amino acid sequence of the RINT1 protein.